The following is an entry in ClinVar:

ClinVar aggregate classification (germline): Uncertain significance. Review status: criteria provided, multiple submitters, no conflicts (2 of 4 stars). 2 submissions from 2 submitters: Uncertain significance (2). Last evaluated 2022-02-10.

Conditions:
Baller-Gerold syndrome (BGS). Also called: CRANIOSYNOSTOSIS WITH RADIAL DEFECTS. Identifiers: Orphanet 1225, MedGen C0265308, MONDO:0009039, OMIM 218600.

Allele frequency attached by ClinVar (database versions not stated): ExAC 0.00001; gnomAD exomes 0.00001.
gnomAD v4.1: 4 of 1,605,140 alleles (0.00025%); highest among the groups gnomAD compares: African/African-American, 0.0013%; no homozygotes.

Submissions (2):

Labcorp Genetics (formerly Invitae), Labcorp
Classification: Uncertain significance for Baller-Gerold syndrome. Last evaluated: 2022-02-10. Review status: criteria provided, single submitter. Criteria: Invitae Variant Classification Sherloc (09022015). Collection method: clinical testing. Allele origin: germline.
Comment: This sequence change replaces aspartic acid, which is acidic and polar, with asparagine, which is neutral and polar, at codon 779 of the RECQL4 protein (p.Asp779Asn). This variant is present in population databases (rs780228802, gnomAD 0.007%). This variant has not been reported in the literature in individuals affected with RECQL4-related conditions. ClinVar contains an entry for this variant (Variation ID: 567243). In summary, the available evidence is currently insufficient to determine the role of this variant in disease. Therefore, it has been classified as a Variant of Uncertain Significance.

Blueprint Genetics
Classification: Uncertain significance. Last evaluated: 2021-08-06. Review status: criteria provided, single submitter. Criteria: ACMG Guidelines, 2015. Collection method: clinical testing. Allele origin: germline.

NM_004260.4(RECQL4):c.2335G>A (p.Asp779Asn)

Gene: RECQL4 (RecQ like helicase 4; minus strand). Cytogenetic location: 8q24.3.
Variant type: single nucleotide variant.
Coding change: c.2335G>A on transcript NM_004260.4 (MANE Select); coding-DNA position 2335, G replaced by A.
Protein change: p.Asp779Asn; replaces aspartic acid 779 with asparagine.
Molecular consequence: missense variant.
Genome position (GRCh38, 1-based): chr8:144,513,346, C>T on the plus strand (G>A on the coding strand, the complement: RECQL4 is on the minus strand). VCF-style: chr8-144513346-C-T. GRCh37 (hg19) VCF-style: chr8-145738729-C-T.
Other names: short protein forms D779N.
Identifiers: ClinVar variation 567243 (VCV000567243.9), dbSNP rs780228802, ClinGen allele CA4948330.
Genomic context (GRCh38, chr8:144,513,346, plus strand): 5'-CGTAGCTCTCGAAGCTTGGGGGCAGCCCCAGATGCAGCACAGCCCGCACATCTGGCCGGT[C>T]CAGCCCCATCCCAAAGGCCACCGTGGCCACCACCACCCGCAACTGGCCCTGCATGAAGGC-3'
Protein context (NP_004251.4, residues 769-789): VATVAFGMGL[Asp779Asn]RPDVRAVLHL